The following is an entry in ClinVar:

ClinVar aggregate classification (germline): Uncertain significance (1 of 4 stars; one submission).

Conditions:
BRCA2-related cancer predisposition. Identifiers: MedGen CN377758, MONDO:0700269.

Submission:

All of Us Research Program, National Institutes of Health
Classification: Uncertain significance for BRCA2-related cancer predisposition. Last evaluated: 2024-02-22. Review status: criteria provided, single submitter. Criteria: ACMG Guidelines, 2015. Collection method: clinical testing. Allele origin: germline. Inheritance: Autosomal dominant inheritance. Observed: 1 variant allele, 1 heterozygote.
Comment: This missense variant replaces glutamic acid with aspartic acid at codon 2947 of the BRCA2 protein. Computational prediction suggests that this variant may not impact protein structure and function (internally defined REVEL score threshold <= 0.5, PMID: 27666373). To our knowledge, functional studies have not been reported for this variant. This variant has not been reported in individuals affected with BRCA2-related disorders in the literature. This variant has not been identified in the general population by the Genome Aggregation Database (gnomAD). The available evidence is insufficient to determine the role of this variant in disease conclusively. Therefore, this variant is classified as a Variant of Uncertain Significance.

This study involves interpretation of variants in research participants for the purpose of population health screening. Participant phenotype was not available at the time of variant classification. Additional details can be found in publication PMID: 35346344, PMCID: PMC8962531

NM_000059.4(BRCA2):c.8841A>C (p.Glu2947Asp)

Gene: BRCA2 (BRCA2 DNA repair associated; plus strand). Cytogenetic location: 13q13.1.
Variant type: single nucleotide variant.
Coding change: c.8841A>C on transcript NM_000059.4 (MANE Select); coding-DNA position 8841, A replaced by C.
Protein change: p.Glu2947Asp; replaces glutamic acid 2947 with aspartic acid.
Molecular consequence: missense variant. On other transcripts: non-coding transcript variant (1).
Genome position (GRCh38, 1-based): chr13:32,379,403, A>C. VCF-style: chr13-32379403-A-C. GRCh37 (hg19) VCF-style: chr13-32953540-A-C.
Other names: c.8745A>C, p.Glu2915Asp (NM_001406719.1); c.8841A>C, p.Glu2947Asp (NM_001406720.1, NM_001432077.1); c.3909A>C, p.Glu1303Asp (NM_001406721.1); c.2424A>C, p.Glu808Asp (NM_001406722.1); short protein forms E1303D, E2915D, E2947D, E808D.
Identifiers: ClinVar variation 3386260 (VCV003386260.1).